The following is an entry in ClinVar:

NM_006493.4(CLN5):c.1045C>T (p.Pro349Ser)

Gene: CLN5 (CLN5 lysosomal BMP synthase; plus strand). Cytogenetic location: 13q22.3.
Variant type: single nucleotide variant.
Coding change: c.1045C>T on transcript NM_006493.4 (MANE Select); coding-DNA position 1045, C replaced by T.
Protein change: p.Pro349Ser; replaces proline 349 with serine.
Molecular consequence: missense variant. On other transcripts: 3 prime UTR variant (1).
Genome position (GRCh38, 1-based): chr13:77,000,937, C>T. VCF-style: chr13-77000937-C-T. GRCh37 (hg19) VCF-style: chr13-77575072-C-T.
Other names: p.P398S:CCT>TCT; p.Pro349Ser; c.1192C>T (LRG_692t1); c.*494C>T (NM_001366624.2); short protein forms P349S.
Identifiers: ClinVar variation 128780 (VCV000128780.25), dbSNP rs41287036, ClinGen allele CA288738.
Genomic context (GRCh38, chr13:77,000,937, plus strand): 5'-TATTGGTTTTTACCTATGAAATTCCCTTTTATTAAAATAACATATGAAGAAATCCCTTTA[C>T]CTATCAGAAACAAAACACTCTCTGGTTTATAAAACACCTTAATTCTACTGCTCTTTTTTC-3'
Protein context (NP_006484.2, residues 339-358): IKITYEEIPL[Pro349Ser]IRNKTLSGL

ClinVar aggregate classification (germline): Uncertain significance. Review status: criteria provided, multiple submitters, no conflicts (2 of 4 stars). 9 submissions from 9 submitters: Uncertain significance (8). 1 of the submissions does not count toward it. Last evaluated 2025-10-30.

Conditions:
Neuronal ceroid lipofuscinosis. Also called: Neuronal Ceroid Lipofuscinoses. Identifiers: Orphanet 216, Orphanet 79263, MedGen C0027877, MONDO:0016295. Disease mechanism: loss of function.
Neuronal ceroid lipofuscinosis 5 (CLN5). Also called: Neuronal ceroid lipofuscinosis Finnish variant; NEURONAL CEROID LIPOFUSCINOSIS, LATE INFANTILE, FINNISH VARIANT; CLN5-Related Neuronal Ceroid-Lipofuscinosis; CEROID LIPOFUSCINOSIS, NEURONAL, 5, VARIABLE AGE AT ONSET. Identifiers: Orphanet 168491, Orphanet 228360, MedGen C1850442, MONDO:0009745, OMIM 256731.

Allele frequency attached by ClinVar (database versions not stated): ExAC 0.00008; ESP Exome Variant Server 0.00008; gnomAD exomes 0.00008; gnomAD 0.00013 and 0.00026; 1000 Genomes Project 0.00020; 1000 Genomes Project 30x 0.00031; TOPMed 0.00035.

Submissions (9):

Mayo Clinic Laboratories, Mayo Clinic
Classification: Uncertain significance. Last evaluated: 2025-10-30. Review status: criteria provided, single submitter. Criteria: ACMG Guidelines, 2015. Collection method: clinical testing. Allele origin: germline. Observed: 1 variant allele.
Comment: PP3_moderate

GeneDx
Classification: Uncertain significance. Last evaluated: 2025-08-01. Review status: criteria provided, single submitter. Criteria: GeneDx Variant Classification Process June 2021. Collection method: clinical testing. Allele origin: germline. Affected: yes.
Comment: In silico analysis supports that this missense variant has a deleterious effect on protein structure/function; Has not been previously published as pathogenic or benign to our knowledge

Blueprint Genetics
Classification: Uncertain significance. Last evaluated: 2024-07-18. Review status: criteria provided, single submitter. Criteria: ACMG Guidelines, 2015. Collection method: clinical testing. Allele origin: germline.

Labcorp Genetics (formerly Invitae), Labcorp
Classification: Uncertain significance for Neuronal ceroid lipofuscinosis. Last evaluated: 2022-09-27. Review status: criteria provided, single submitter. Criteria: Invitae Variant Classification Sherloc (09022015). Collection method: clinical testing. Allele origin: germline.
Comment: This sequence change replaces proline, which is neutral and non-polar, with serine, which is neutral and polar, at codon 398 of the CLN5 protein (p.Pro398Ser). This variant is present in population databases (rs41287036, gnomAD 0.02%). This variant has not been reported in the literature in individuals affected with CLN5-related conditions. ClinVar contains an entry for this variant (Variation ID: 128780). Advanced modeling of protein sequence and biophysical properties (such as structural, functional, and spatial information, amino acid conservation, physicochemical variation, residue mobility, and thermodynamic stability) has been performed at Invitae for this missense variant, however the output from this modeling did not meet the statistical confidence thresholds required to predict the impact of this variant on CLN5 protein function. In summary, the available evidence is currently insufficient to determine the role of this variant in disease. Therefore, it has been classified as a Variant of Uncertain Significance.

Genome-Nilou Lab
Classification: Uncertain significance for Neuronal ceroid lipofuscinosis 5. Last evaluated: 2021-09-05. Review status: criteria provided, single submitter. Criteria: ACMG Guidelines, 2015. Collection method: clinical testing. Allele origin: germline. Affected: no.

Geisinger Autism and Developmental Medicine Institute, Geisinger Health System
Classification: Uncertain significance for Neuronal ceroid lipofuscinosis 5. Last evaluated: 2018-02-21. Review status: criteria provided, single submitter. Criteria: ACMG Guidelines, 2015. Collection method: provider interpretation, clinical testing. Allele origin: paternal. Observed: 1 variant allele.
Comment: Brain MRI was normal. The p.Pro398Ser variant is present in gnomAD non-Finnish European population at 0.018%. Computational prediction models are inconsistent. No additional variants were identified in the CLN5 gene.

Illumina Laboratory Services, Illumina
Classification: Uncertain significance for Neuronal ceroid lipofuscinosis 5. Last evaluated: 2018-01-13. Review status: criteria provided, single submitter. Criteria: ICSL Variant Classification Criteria 13 December 2019. Collection method: clinical testing. Allele origin: germline.

Genetic Services Laboratory, University of Chicago
Classification: Uncertain significance. Last evaluated: 2014-01-14. Review status: criteria provided, single submitter. Criteria: ACMG Guidelines, 2007. Collection method: clinical testing. Allele origin: germline. Inheritance: Autosomal recessive inheritance.

Natera, Inc.
Classification: Uncertain significance for Neuronal ceroid lipofuscinosis 5. Last evaluated: 2020-04-16. Review status: no assertion criteria provided. Collection method: clinical testing. Allele origin: germline. Not counted in ClinVar's aggregate classification.